The following is an entry in ClinVar:

ClinVar aggregate classification (germline): Uncertain significance. Review status: criteria provided, multiple submitters, no conflicts (2 of 4 stars). 2 submissions from 2 submitters: Uncertain significance (2). Last evaluated 2024-12-03.

Conditions:
Inborn genetic diseases. Identifiers: MedGen C0950123, MeSH D030342.
Intellectual disability, autosomal recessive 53 (NEDHSCA). Also called: NEURODEVELOPMENTAL DISORDER WITH OR WITHOUT HYPOTONIA, SEIZURES, AND CEREBELLAR ATROPHY; GLYCOSYLPHOSPHATIDYLINOSITOL BIOSYNTHESIS DEFECT 13; Mental retardation, autosomal recessive 53. Identifiers: Orphanet 488635, MedGen C4310794, MONDO:0014832, OMIM 616917.

Allele frequency attached by ClinVar (database versions not stated): gnomAD 0.00002; TOPMed 0.00003.
gnomAD v4.1: 63 of 1,609,860 alleles (0.0039%); highest among the groups gnomAD compares: Non-Finnish European, 0.0051%; no homozygotes.

Submissions (2):

Ambry Genetics
Classification: Uncertain significance for Inborn genetic diseases. Last evaluated: 2024-12-03. Review status: criteria provided, single submitter. Criteria: Ambry Variant Classification Scheme 2023. Collection method: clinical testing. Allele origin: germline.

Labcorp Genetics (formerly Invitae), Labcorp
Classification: Uncertain significance for Intellectual disability, autosomal recessive 53. Last evaluated: 2022-08-15. Review status: criteria provided, single submitter. Criteria: Invitae Variant Classification Sherloc (09022015). Collection method: clinical testing. Allele origin: germline.
Comment: This sequence change replaces cysteine, which is neutral and slightly polar, with tyrosine, which is neutral and polar, at codon 12 of the PIGG protein (p.Cys12Tyr). This variant is present in population databases (no rsID available, gnomAD 0.002%). This variant has not been reported in the literature in individuals affected with PIGG-related conditions. Algorithms developed to predict the effect of missense changes on protein structure and function are either unavailable or do not agree on the potential impact of this missense change (SIFT: "Deleterious"; PolyPhen-2: "Probably Damaging"; Align-GVGD: "Class C0"). In summary, the available evidence is currently insufficient to determine the role of this variant in disease. Therefore, it has been classified as a Variant of Uncertain Significance.

NM_001127178.3(PIGG):c.35G>A (p.Cys12Tyr)

Gene: PIGG (phosphatidylinositol glycan anchor biosynthesis class G (EMM blood group); plus strand). Cytogenetic location: 4p16.3.
Variant type: single nucleotide variant.
Coding change: c.35G>A on transcript NM_001127178.3 (MANE Select); coding-DNA position 35, G replaced by A.
Protein change: p.Cys12Tyr; replaces cysteine 12 with tyrosine.
Molecular consequence: missense variant. On other transcripts: non-coding transcript variant (10), intron variant (1), 5 prime UTR variant (9).
Genome position (GRCh38, 1-based): chr4:499,370, G>A. VCF-style: chr4-499370-G-A. GRCh37 (hg19) VCF-style: chr4-493159-G-A.
Other names: c.35G>A, p.Cys12Tyr (NM_017733.5, NM_001345989.2, NM_001289052.2); c.-114+72G>A (NM_001289051.2); c.-1591G>A (NM_001345990.2); c.-1689G>A (NM_001345991.2); c.-1414G>A (NM_001345994.2); c.-791G>A (NM_001289053.2); c.-402G>A (NM_001289055.2); c.-469G>A (NM_001289057.2, NM_001345986.2, NM_001345987.2); and 1 more; short protein forms C12Y.
Identifiers: ClinVar variation 2051118 (VCV002051118.2), dbSNP rs1289974701, ClinGen allele CA355888445.